The following is an entry in ClinVar:

NM_001035.3(RYR2):c.5762G>T (p.Arg1921Leu)

Gene: RYR2 (ryanodine receptor 2; plus strand). Cytogenetic location: 1q43.
Variant type: single nucleotide variant.
Coding change: c.5762G>T on transcript NM_001035.3 (MANE Select); coding-DNA position 5762, G replaced by T.
Protein change: p.Arg1921Leu; replaces arginine 1921 with leucine.
Molecular consequence: missense variant.
Genome position (GRCh38, 1-based): chr1:237,617,332, G>T. VCF-style: chr1-237617332-G-T. GRCh37 (hg19) VCF-style: chr1-237780632-G-T.
Other names: short protein forms R1921L.
Identifiers: ClinVar variation 4536926 (VCV004536926.1).

ClinVar aggregate classification (germline): Uncertain significance (1 of 4 stars; one submission).

Submission:

Women's Health and Genetics/Laboratory Corporation of America, LabCorp
Classification: Uncertain significance. Last evaluated: 2025-11-10. Review status: criteria provided, single submitter. Criteria: LabCorp Variant Classification Summary - May 2015. Collection method: clinical testing. Allele origin: germline.
Comment: Variant summary: RYR2 c.5762G>T (p.Arg1921Leu) results in a non-conservative amino acid change in the encoded protein sequence. Algorithms developed to predict the effect of missense changes on protein structure and function all suggest that this variant is likely to be disruptive. The variant was absent in 248470 control chromosomes. The available data on variant occurrences in the general population are insufficient to allow any conclusion about variant significance. To our knowledge, no occurrence of c.5762G>T in individuals affected with RYR2-related conditions and no experimental evidence demonstrating its impact on protein function have been reported. No submitters have cited clinical-significance assessments for this variant to ClinVar. Based on the evidence outlined above, the variant was classified as uncertain significance.